The following is an entry in ClinVar:

NM_000292.3(PHKA2):c.1042-1G>A

Gene: PHKA2 (phosphorylase kinase regulatory subunit alpha 2; minus strand). Cytogenetic location: Xp22.13.
Variant type: single nucleotide variant.
Coding change: c.1042-1G>A on transcript NM_000292.3 (MANE Select); the canonical splice acceptor site of the intron before coding-DNA position 1042, G replaced by A.
Molecular consequence: splice acceptor variant.
Genome position (GRCh38, 1-based): chrX:18,936,151, C>T on the plus strand (G>A on the coding strand, the complement: PHKA2 is on the minus strand). VCF-style: chrX-18936151-C-T. GRCh37 (hg19) VCF-style: chrX-18954269-C-T.
Identifiers: ClinVar variation 841380 (VCV000841380.8), dbSNP rs2048391185, ClinGen allele CA412395513.
Genomic context (GRCh38, chrX:18,936,151, plus strand): 5'-GCGGATCCCATTCTTGCCTCTGATGAGTATTCCCTCCAGGGCCTCTCGGTATTCTTGGAC[C>T]TGGAAAACAGCCCCATCATCCATGGCAGGAAGGAGGTCTGGTCATGATTGCTGTAACAGC-3'

ClinVar aggregate classification (germline): Likely pathogenic (1 of 4 stars; one submission).

Conditions:
Glycogen storage disease IXa1. Also called: GLYCOGEN STORAGE DISEASE VIII; GSD VIII; Glycogen storage disease 8; LIVER GLYCOGENOSIS, X-LINKED, TYPE I. Identifiers: Orphanet 264580, MedGen C3694531, MONDO:0010598, OMIM 306000.

Submission:

Labcorp Genetics (formerly Invitae), Labcorp
Classification: Likely pathogenic for Glycogen storage disease IXa1. Last evaluated: 2022-07-19. Review status: criteria provided, single submitter. Criteria: Invitae Variant Classification Sherloc (09022015). Collection method: clinical testing. Allele origin: germline.
Comment: In summary, the currently available evidence indicates that the variant is pathogenic, but additional data are needed to prove that conclusively. Therefore, this variant has been classified as Likely Pathogenic. Algorithms developed to predict the effect of sequence changes on RNA splicing suggest that this variant may disrupt the consensus splice site. ClinVar contains an entry for this variant (Variation ID: 841380). This variant has not been reported in the literature in individuals affected with PHKA2-related conditions. This variant is not present in population databases (gnomAD no frequency). This sequence change affects an acceptor splice site in intron 10 of the PHKA2 gene. It is expected to disrupt RNA splicing. Variants that disrupt the donor or acceptor splice site typically lead to a loss of protein function (PMID: 16199547), and loss-of-function variants in PHKA2 are known to be pathogenic (PMID: 7711737, 10330341).

Literature cited by the submitters: PubMed 16199547; PubMed 7711737; PubMed 10330341.